The following is an entry in ClinVar:

ClinVar aggregate classification (germline): Likely benign (1 of 4 stars; one submission).

gnomAD v4.1: 8 of 1,608,546 alleles (0.0005%); highest among the groups gnomAD compares: African/African-American, 0.0013%; no homozygotes.

Submission:

CeGaT Center for Human Genetics Tuebingen
Classification: Likely benign. Last evaluated: 2026-03-01. Review status: criteria provided, single submitter. Criteria: CeGaT Center For Human Genetics Tuebingen Variant Classification Criteria Version 2. Collection method: clinical testing. Allele origin: germline. Affected: yes. Observed: 1 variant allele.
Comment: NSD1: BP4, BP7

NM_022455.5(NSD1):c.777A>G (p.Ser259=)

Gene: NSD1 (nuclear receptor binding SET domain protein 1; plus strand). Cytogenetic location: 5q35.3.
Variant type: single nucleotide variant.
Coding change: c.777A>G on transcript NM_022455.5 (MANE Select); coding-DNA position 777, A replaced by G.
Protein change: p.Ser259=; no amino-acid change (serine 259 retained).
Molecular consequence: synonymous variant. On other transcripts: intron variant (8).
Genome position (GRCh38, 1-based): chr5:177,135,880, A>G. VCF-style: chr5-177135880-A-G. GRCh37 (hg19) VCF-style: chr5-176562881-A-G.
Other names: c.777A>G, p.Ser259= (NM_001409301.1, NM_001409302.1, NM_001409303.1); c.418-61A>G (NM_001409304.1); c.-36-61A>G (NM_001409305.1, NM_001409306.1, NM_001409308.1 and 4 more transcripts).
Identifiers: ClinVar variation 4821458 (VCV004821458.4).
Genomic context (GRCh38, chr5:177,135,880, plus strand): 5'-GCAAAGAAATGAAGTGGACGGCAGCAATGAAAAAGCAGCCCTTCTCCCAGCCCCCTTTTC[A>G]CTAGGAGACACAAACATTACAATAGAAGAGCAATTAAACTCAATAAATTTATCTTTTCAG-3'
Protein context (NP_071900.2, residues 249-269): EKAALLPAPF[Ser259=]LGDTNITIEE